The following is an entry in ClinVar:

ClinVar aggregate classification (germline): Uncertain significance (1 of 4 stars; one submission).

Conditions:
Autosomal dominant childhood-onset proximal spinal muscular atrophy with contractures (SMALED2A). Also called: SPINAL MUSCULAR ATROPHY, LOWER EXTREMITY-PREDOMINANT, 2A, CHILDHOOD ONSET, AUTOSOMAL DOMINANT; Spinal muscular atrophy, lower extremity-predominant, 2A, autosomal dominant. Identifiers: Orphanet 363447, Orphanet 363454, MedGen C4747715, MONDO:0014121, OMIM 615290.

gnomAD v4.1: 2 of 1,614,006 alleles (0.00012%); highest among the groups gnomAD compares: Non-Finnish European, 0.00017%; no homozygotes.

Submission:

Labcorp Genetics (formerly Invitae), Labcorp
Classification: Uncertain significance for Autosomal dominant childhood-onset proximal spinal muscular atrophy with contractures. Last evaluated: 2023-03-28. Review status: criteria provided, single submitter. Criteria: Invitae Variant Classification Sherloc (09022015). Collection method: clinical testing. Allele origin: germline.
Comment: This variant has not been reported in the literature in individuals affected with BICD2-related conditions. This variant is not present in population databases (gnomAD no frequency). This sequence change replaces alanine, which is neutral and non-polar, with proline, which is neutral and non-polar, at codon 81 of the BICD2 protein (p.Ala81Pro). In summary, the available evidence is currently insufficient to determine the role of this variant in disease. Therefore, it has been classified as a Variant of Uncertain Significance. An algorithm developed to predict the effect of missense changes on protein structure and function (PolyPhen-2) suggests that this variant is likely to be disruptive.

NM_001003800.2(BICD2):c.241G>C (p.Ala81Pro)

Gene: BICD2 (BICD cargo adaptor 2; minus strand). Cytogenetic location: 9q22.31.
Variant type: single nucleotide variant.
Coding change: c.241G>C on transcript NM_001003800.2 (MANE Select); coding-DNA position 241, G replaced by C.
Protein change: p.Ala81Pro; replaces alanine 81 with proline.
Molecular consequence: missense variant.
Genome position (GRCh38, 1-based): chr9:92,729,236, C>G on the plus strand (G>C on the coding strand, the complement: BICD2 is on the minus strand). VCF-style: chr9-92729236-C-G. GRCh37 (hg19) VCF-style: chr9-95491518-C-G.
Other names: c.241G>C, p.Ala81Pro (NM_015250.4); short protein forms A81P.
Identifiers: ClinVar variation 2850468 (VCV002850468.3), dbSNP rs1412650632, ClinGen allele CA374027399.